The following is an entry in ClinVar:

NM_153240.5(NPHP3):c.1040dup (p.Asn347fs)

Genes: NPHP3 (nephrocystin 3; minus strand), NPHP3-ACAD11 (NPHP3-ACAD11 readthrough (NMD candidate); minus strand). Cytogenetic location: 3q22.1.
Variant type: Duplication.
Coding change: c.1040dup on transcript NM_153240.5 (MANE Select); coding-DNA position 1040, one base duplicated (A; older notation c.1040dupA).
Protein change: p.Asn347fs; shifts the reading frame from asparagine 347.
Molecular consequence: frameshift variant. On other transcripts: non-coding transcript variant (1).
Genome position (GRCh38, 1-based): chr3:132,713,204, T duplicated on the plus strand (A on the coding strand, the reverse complement: NPHP3 is on the minus strand); the first of 4 consecutive T bases (chr3:132,713,204-132,713,207); duplicating any one gives the same sequence. VCF-style (leftmost placement, unchanged base first): chr3-132713203-A-AT. GRCh37 (hg19) VCF-style: chr3-132432047-A-AT.
Other names: short protein forms N347fs.
Identifiers: ClinVar variation 1458848 (VCV001458848.6), dbSNP rs2107996325, ClinGen allele CA2573136532.

ClinVar aggregate classification (germline): Pathogenic (1 of 4 stars; one submission).

Conditions:
Nephronophthisis. Also called: Juvenile Nephronophthisis. Identifiers: Orphanet 655, MedGen C0687120, MONDO:0019005, HP:0000090.

Submission:

Labcorp Genetics (formerly Invitae), Labcorp
Classification: Pathogenic for Nephronophthisis. Last evaluated: 2021-11-15. Review status: criteria provided, single submitter. Criteria: Invitae Variant Classification Sherloc (09022015). Collection method: clinical testing. Allele origin: germline.
Comment: This sequence change creates a premature translational stop signal (p.Asn347Lysfs*12) in the NPHP3 gene. It is expected to result in an absent or disrupted protein product. Loss-of-function variants in NPHP3 are known to be pathogenic (PMID: 18371931, 23559409). This variant is not present in population databases (gnomAD no frequency). This variant has not been reported in the literature in individuals affected with NPHP3-related conditions. For these reasons, this variant has been classified as Pathogenic.

Literature cited by the submitters: PubMed 18371931; PubMed 23559409.